The following is an entry in ClinVar:

NM_031844.3(HNRNPU):c.1597A>G (p.Ile533Val)

Gene: HNRNPU (heterogeneous nuclear ribonucleoprotein U; minus strand). Cytogenetic location: 1q44.
Variant type: single nucleotide variant.
Coding change: c.1597A>G on transcript NM_031844.3 (MANE Select); coding-DNA position 1597, A replaced by G.
Protein change: p.Ile533Val; replaces isoleucine 533 with valine.
Molecular consequence: missense variant.
Genome position (GRCh38, 1-based): chr1:244,857,615, T>C on the plus strand (A>G on the coding strand, the complement: HNRNPU is on the minus strand). VCF-style: chr1-244857615-T-C. GRCh37 (hg19) VCF-style: chr1-245020917-T-C.
Other names: c.1540A>G, p.Ile514Val (NM_004501.3); short protein forms I514V, I533V.
Identifiers: ClinVar variation 1776024 (VCV001776024.4), dbSNP rs1680714477, ClinGen allele CA345490643.

ClinVar aggregate classification (germline): Uncertain significance. Review status: criteria provided, multiple submitters, no conflicts (2 of 4 stars). 2 submissions from 2 submitters: Uncertain significance (2). Last evaluated 2024-03-13.

Conditions:
Developmental and epileptic encephalopathy, 54. Also called: HNRNPU-Related Neurodevelopmental Disorder; Epileptic encephalopathy, early infantile, 54. Identifiers: MedGen C4479319, MONDO:0033363, OMIM 617391.
Inborn genetic diseases. Identifiers: MedGen C0950123, MeSH D030342.

Allele frequency attached by ClinVar (database versions not stated): gnomAD exomes below 0.00001; TOPMed 0.00001.
gnomAD v4.1: 3 of 1,613,494 alleles (0.00019%); highest among the groups gnomAD compares: Non-Finnish European, 0.00025%; no homozygotes.

Submissions (2):

Labcorp Genetics (formerly Invitae), Labcorp
Classification: Uncertain significance for Developmental and epileptic encephalopathy, 54. Last evaluated: 2024-03-13. Review status: criteria provided, single submitter. Criteria: Invitae Variant Classification Sherloc (09022015). Collection method: clinical testing. Allele origin: germline.
Comment: This sequence change replaces isoleucine, which is neutral and non-polar, with valine, which is neutral and non-polar, at codon 533 of the HNRNPU protein (p.Ile533Val). This variant is not present in population databases (gnomAD no frequency). This variant has not been reported in the literature in individuals affected with HNRNPU-related conditions. ClinVar contains an entry for this variant (Variation ID: 1776024). Advanced modeling of protein sequence and biophysical properties (such as structural, functional, and spatial information, amino acid conservation, physicochemical variation, residue mobility, and thermodynamic stability) performed at Invitae indicates that this missense variant is not expected to disrupt HNRNPU protein function with a negative predictive value of 80%. In summary, the available evidence is currently insufficient to determine the role of this variant in disease. Therefore, it has been classified as a Variant of Uncertain Significance.

Ambry Genetics
Classification: Uncertain significance for Inborn genetic diseases. Last evaluated: 2019-02-16. Review status: criteria provided, single submitter. Criteria: Ambry Variant Classification Scheme 2023. Collection method: clinical testing. Allele origin: germline.
Comment: The p.I533V variant (also known as c.1597A>G), located in coding exon 8 of the HNRNPU gene, results from an A to G substitution at nucleotide position 1597. The isoleucine at codon 533 is replaced by valine, an amino acid with highly similar properties. This amino acid position is highly conserved in available vertebrate species. In addition, this alteration is predicted to be tolerated by in silico analysis. Since supporting evidence is limited at this time, the clinical significance of this alteration remains unclear.